The following is an entry in ClinVar:

NM_020297.4(ABCC9):c.1955T>G (p.Leu652Arg)

Gene: ABCC9 (ATP binding cassette subfamily C member 9; minus strand). Cytogenetic location: 12p12.1.
Variant type: single nucleotide variant.
Coding change: c.1955T>G on transcript NM_020297.4 (MANE Select); coding-DNA position 1955, T replaced by G.
Protein change: p.Leu652Arg; replaces leucine 652 with arginine.
Molecular consequence: missense variant.
Genome position (GRCh38, 1-based): chr12:21,882,830, A>C on the plus strand (T>G on the coding strand, the complement: ABCC9 is on the minus strand). VCF-style: chr12-21882830-A-C. GRCh37 (hg19) VCF-style: chr12-22035764-A-C.
Other names: c.1955T>G, p.Leu652Arg (NM_001377273.1, NM_005691.4); c.1091T>G, p.Leu364Arg (NM_001377274.1); short protein forms L364R, L652R.
Identifiers: ClinVar variation 1783301 (VCV001783301.5), dbSNP rs775002315, ClinGen allele CA6481540.

ClinVar aggregate classification (germline): Uncertain significance. Review status: criteria provided, multiple submitters, no conflicts (2 of 4 stars). 2 submissions from 2 submitters: Uncertain significance (2). Last evaluated 2025-02-15.

Conditions:
Cardiovascular phenotype. Identifiers: MedGen CN230736.
Dilated cardiomyopathy 1O (CMD1O). Also called: CARDIOMYOPATHY, DILATED, WITH VENTRICULAR TACHYCARDIA. Identifiers: Orphanet 154, MedGen C1837839, MONDO:0012062, OMIM 608569.

Allele frequency attached by ClinVar (database versions not stated): gnomAD exomes below 0.00001; ExAC 0.00001.
gnomAD v4.1: 1 of 1,614,084 alleles (0.000062%); highest among the groups gnomAD compares: Non-Finnish European, 0.000085%; no homozygotes.

Submissions (2):

Labcorp Genetics (formerly Invitae), Labcorp
Classification: Uncertain significance for Dilated cardiomyopathy 1O. Last evaluated: 2025-02-15. Review status: criteria provided, single submitter. Criteria: Invitae Variant Classification Sherloc (09022015). Collection method: clinical testing. Allele origin: germline.
Comment: This sequence change replaces leucine, which is neutral and non-polar, with arginine, which is basic and polar, at codon 652 of the ABCC9 protein (p.Leu652Arg). This variant is present in population databases (rs775002315, gnomAD 0.0009%). This variant has not been reported in the literature in individuals affected with ABCC9-related conditions. ClinVar contains an entry for this variant (Variation ID: 1783301). Invitae Evidence Modeling of protein sequence and biophysical properties (such as structural, functional, and spatial information, amino acid conservation, physicochemical variation, residue mobility, and thermodynamic stability) indicates that this missense variant is not expected to disrupt ABCC9 protein function with a negative predictive value of 95%. In summary, the available evidence is currently insufficient to determine the role of this variant in disease. Therefore, it has been classified as a Variant of Uncertain Significance.

Ambry Genetics
Classification: Uncertain significance for Cardiovascular phenotype. Last evaluated: 2020-08-31. Review status: criteria provided, single submitter. Criteria: Ambry Variant Classification Scheme 2023. Collection method: clinical testing. Allele origin: germline.
Comment: The p.L652R variant (also known as c.1955T>G), located in coding exon 14 of the ABCC9 gene, results from a T to G substitution at nucleotide position 1955. The leucine at codon 652 is replaced by arginine, an amino acid with dissimilar properties. This amino acid position is well conserved in available vertebrate species. In addition, the in silico prediction for this alteration is inconclusive. Since supporting evidence is limited at this time, the clinical significance of this alteration remains unclear.